The following is an entry in ClinVar:

NM_004004.6(GJB2):c.566C>A (p.Thr189Asn)

Gene: GJB2 (gap junction protein beta 2; minus strand). Cytogenetic location: 13q12.11.
Variant type: single nucleotide variant.
Coding change: c.566C>A on transcript NM_004004.6 (MANE Select); coding-DNA position 566, C replaced by A.
Protein change: p.Thr189Asn; replaces threonine 189 with asparagine.
Molecular consequence: missense variant.
Genome position (GRCh38, 1-based): chr13:20,189,016, G>T on the plus strand (C>A on the coding strand, the complement: GJB2 is on the minus strand). VCF-style: chr13-20189016-G-T. GRCh37 (hg19) VCF-style: chr13-20763155-G-T.
Other names: short protein forms T189N.
Identifiers: ClinVar variation 44759 (VCV000044759.5), dbSNP rs199790409, ClinGen allele CA134987.

ClinVar aggregate classification (germline): Uncertain significance. Review status: criteria provided, single submitter (1 of 4 stars). 2 submissions from 2 submitters: Uncertain significance (1). 1 of the submissions does not count toward it. Last evaluated 2012-02-10.

Conditions:
Autosomal recessive nonsyndromic hearing loss 1A (DFNB1A). Also called: GJB2-Related Autosomal Recessive Nonsyndromic Hearing Loss; GJB6-Related DFNB 1 Nonsyndromic Hearing Loss and Deafness; Deafness, autosomal recessive 1A; Connexin 26 deafness; Deafness nonsyndromic, Connexin 26 linked; Nonsyndromic Hearing Loss and Deafness, DFNB1. Identifiers: Orphanet 90636, MedGen C2673759, MONDO:0009076, OMIM 220290.

Allele frequency attached by ClinVar (database versions not stated): TOPMed below 0.00001; gnomAD 0.00001.

Submissions (2):

Laboratory for Molecular Medicine, Mass General Brigham Personalized Medicine
Classification: Uncertain significance. Last evaluated: 2012-02-10. Review status: criteria provided, single submitter. Criteria: LMM Criteria. Collection method: clinical testing. Allele origin: germline. Observed: 1 variant allele.
Comment: The Thr189Asn variant in GJB2 has not been reported in the literature nor previo usly identified by our laboratory. Computational analyses (conservation, PolyPhe n2, SIFT, AlignGVGD) suggest that the Thr189Asn variant may impact the protein. However, this information is not predictive enough to determine pathogenicity.

Natera, Inc.
Classification: Uncertain significance for Autosomal recessive deafness type 1A. Last evaluated: 2020-07-29. Review status: no assertion criteria provided. Collection method: clinical testing. Allele origin: germline. Not counted in ClinVar's aggregate classification.